The following is an entry in ClinVar:

NM_001386298.1(CIC):c.7288G>A (p.Ala2430Thr)

Gene: CIC (capicua transcriptional repressor; plus strand). Cytogenetic location: 19q13.2.
Variant type: single nucleotide variant.
Coding change: c.7288G>A on transcript NM_001386298.1 (MANE Select); coding-DNA position 7288, G replaced by A.
Protein change: p.Ala2430Thr; replaces alanine 2430 with threonine.
Molecular consequence: missense variant.
Genome position (GRCh38, 1-based): chr19:42,294,925, G>A. VCF-style: chr19-42294925-G-A. GRCh37 (hg19) VCF-style: chr19-42799077-G-A.
Other names: c.7288G>A, p.Ala2430Thr (NM_001304815.2); c.7285G>A, p.Ala2429Thr (NM_001379480.1, NM_001379482.1, NM_001439183.1); c.4555G>A, p.Ala1519Thr (NM_001379484.1, NM_001439191.1); c.4552G>A, p.Ala1518Thr (NM_001379485.1); c.7282G>A, p.Ala2428Thr (NM_001439184.1, NM_001439185.1, NM_001439186.1); c.7279G>A, p.Ala2427Thr (NM_001439187.1); c.7276G>A, p.Ala2426Thr (NM_001439188.1); c.4558G>A, p.Ala1520Thr (NM_001439189.1, NM_001439190.1); and 1 more; short protein forms A1519T, A2426T, A2427T, A1518T, A1520T, A1521T, A2428T, A2429T.
Identifiers: ClinVar variation 4979099 (VCV004979099.1).
Genomic context (GRCh38, chr19:42,294,925, plus strand): 5'-TTTCCCTCCAAGGTTTGTCTGCAGTTGAAGATCCGTGAGGTGCGCCAGAAGATCATGCAG[G>A]CTGCCACTCCCACGGAGCAGCCCCCTGGAGCTGAGGCTCCTCTCCCTGTACCGCCCCCCA-3'
Protein context (NP_001373227.1, residues 2420-2440): IREVRQKIMQ[Ala2430Thr]ATPTEQPPGA

ClinVar aggregate classification (germline): Uncertain significance (1 of 4 stars; one submission).

Conditions:
CIC-related disorder. Also called: CIC-related condition.

Submission:

PreventionGenetics, part of Exact Sciences
Classification: Uncertain significance for CIC-related condition. Last evaluated: 2025-03-01. Review status: criteria provided, single submitter. Criteria: ACMG Guidelines, 2015. Collection method: clinical testing. Allele origin: germline.
Comment: The CIC c.4561G>A variant is predicted to result in the amino acid substitution p.Ala1521Thr. To our knowledge, this variant has not been reported in the literature or in a large population database (gnomAD), indicating this variant is rare. At this time, the clinical significance of this variant is uncertain due to the absence of conclusive functional and genetic evidence.